The following is an entry in ClinVar:

ClinVar aggregate classification (germline): Uncertain significance (1 of 4 stars; one submission).

Allele frequency attached by ClinVar (database versions not stated): TOPMed below 0.00001; gnomAD 0.00001.

Submission:

Labcorp Genetics (formerly Invitae), Labcorp
Classification: Uncertain significance. Last evaluated: 2021-05-25. Review status: criteria provided, single submitter. Criteria: Invitae Variant Classification Sherloc (09022015). Collection method: clinical testing. Allele origin: germline.
Comment: This sequence change replaces tyrosine with histidine at codon 63 of the MOCS3 protein (p.Tyr63His). The tyrosine residue is highly conserved and there is a moderate physicochemical difference between tyrosine and histidine. This variant is not present in population databases (ExAC no frequency). This variant has not been reported in the literature in individuals with MOCS3-related conditions. Algorithms developed to predict the effect of missense changes on protein structure and function (SIFT, PolyPhen-2, Align-GVGD) all suggest that this variant is likely to be disruptive, but these predictions have not been confirmed by published functional studies and their clinical significance is uncertain. In summary, the available evidence is currently insufficient to determine the role of this variant in disease. Therefore, it has been classified as a Variant of Uncertain Significance.

NM_014484.5(MOCS3):c.187T>C (p.Tyr63His)

Gene: MOCS3 (molybdenum cofactor synthesis 3; plus strand). Cytogenetic location: 20q13.13.
Variant type: single nucleotide variant.
Coding change: c.187T>C on transcript NM_014484.5 (MANE Select); coding-DNA position 187, T replaced by C.
Protein change: p.Tyr63His; replaces tyrosine 63 with histidine.
Molecular consequence: missense variant.
Genome position (GRCh38, 1-based): chr20:50,959,029, T>C. VCF-style: chr20-50959029-T-C. GRCh37 (hg19) VCF-style: chr20-49575566-T-C.
Other names: short protein forms Y63H.
Identifiers: ClinVar variation 1428533 (VCV001428533.8), dbSNP rs1987006128, ClinGen allele CA408982055.